The following is an entry in ClinVar:

NM_000361.3(THBD):c.1127A>T (p.Tyr376Phe)

Gene: THBD (thrombomodulin; minus strand). Cytogenetic location: 20p11.21.
Variant type: single nucleotide variant.
Coding change: c.1127A>T on transcript NM_000361.3 (MANE Select); coding-DNA position 1127, A replaced by T.
Protein change: p.Tyr376Phe; replaces tyrosine 376 with phenylalanine.
Molecular consequence: missense variant.
Genome position (GRCh38, 1-based): chr20:23,048,378, T>A on the plus strand (A>T on the coding strand, the complement: THBD is on the minus strand). VCF-style: chr20-23048378-T-A. GRCh37 (hg19) VCF-style: chr20-23029015-T-A.
Other names: short protein forms Y376F.
Identifiers: ClinVar variation 4280339 (VCV004280339.1).

ClinVar aggregate classification (germline): Uncertain significance (1 of 4 stars; one submission).

Conditions:
Thrombomodulin-related bleeding disorder (THPH12). Also called: Thrombophilia due to thrombomodulin defect. Identifiers: Orphanet 436169, MedGen C3280976, MONDO:0013775, OMIM 614486.

Submission:

Genomenon, Inc
Classification: Uncertain significance for Thrombomodulin-related bleeding disorder. Last evaluated: 2025-09-22. Review status: criteria provided, single submitter. Criteria: Genomenon Sequence Variant Interpretation Standards - Updated. Collection method: curation. Allele origin: germline. Affected: no.
Comment: THBD p.Tyr376Phe (c.1127A>T) is a missense variant that changes the amino acid at residue 376 from Tyrosine to Phenylalanine. This variant has been reported in the published literature (PMID:7559494). It is absent or not present at a significant frequency in gnomAD. In silico models agree that this variant is not damaging. In conclusion, we classify THBD p.Tyr376Phe (c.1127A>T) as a variant of unknown significance.

Literature cited by the submitters: PubMed 7559494.